The following is an entry in ClinVar:

NM_001365951.3(KIF1B):c.730A>G (p.Ile244Val)

Gene: KIF1B (kinesin family member 1B; plus strand). Cytogenetic location: 1p36.22.
Variant type: single nucleotide variant.
Coding change: c.730A>G on transcript NM_001365951.3 (MANE Select); coding-DNA position 730, A replaced by G.
Protein change: p.Ile244Val; replaces isoleucine 244 with valine.
Molecular consequence: missense variant.
Genome position (GRCh38, 1-based): chr1:10,271,511, A>G. VCF-style: chr1-10271511-A-G. GRCh37 (hg19) VCF-style: chr1-10331569-A-G.
Other names: c.730A>G, p.Ile244Val (NM_001365952.1, NM_001365953.1, NM_015074.3 and 1 more transcripts); short protein forms I244V.
Identifiers: ClinVar variation 2131486 (VCV002131486.4), dbSNP rs2521096287, ClinGen allele CA338331330.
Genomic context (GRCh38, chr1:10,271,511, plus strand): 5'-CTTCTATCTTGCTTATTTTTGAATTGCCCCCATGTTATTGTTCTTTATCAGGTCAGTAAA[A>G]TCAGCTTGGTGGATCTAGCAGGAAGTGAACGAGCTGATTCAACTGGTGCCAAAGGGACTC-3'
Protein context (NP_001352880.1, residues 234-254): TNLSTEKVSK[Ile244Val]SLVDLAGSER

ClinVar aggregate classification (germline): Uncertain significance (1 of 4 stars; one submission).

Conditions:
Charcot-Marie-Tooth disease type 2. Also called: Charcot-Marie-Tooth type 2. Identifiers: Orphanet 64746, MedGen C0270914, MONDO:0018993.

Allele frequency attached by ClinVar (database versions not stated): gnomAD exomes below 0.00001.
gnomAD v4.1: 1 of 1,613,392 alleles (0.000062%); highest among the groups gnomAD compares: Non-Finnish European, 0.000085%; no homozygotes.

Submission:

Labcorp Genetics (formerly Invitae), Labcorp
Classification: Uncertain significance for Charcot-Marie-Tooth disease type 2. Last evaluated: 2022-04-28. Review status: criteria provided, single submitter. Criteria: Invitae Variant Classification Sherloc (09022015). Collection method: clinical testing. Allele origin: germline.
Comment: This variant has not been reported in the literature in individuals affected with KIF1B-related conditions. In summary, the available evidence is currently insufficient to determine the role of this variant in disease. Therefore, it has been classified as a Variant of Uncertain Significance. Algorithms developed to predict the effect of missense changes on protein structure and function (SIFT, PolyPhen-2, Align-GVGD) all suggest that this variant is likely to be tolerated. This variant is not present in population databases (gnomAD no frequency). This sequence change replaces isoleucine, which is neutral and non-polar, with valine, which is neutral and non-polar, at codon 244 of the KIF1B protein (p.Ile244Val).